The following is an entry in ClinVar:

NM_017617.5(NOTCH1):c.7449G>A (p.Thr2483=)

Gene: NOTCH1 (notch receptor 1; minus strand). Cytogenetic location: 9q34.3.
Variant type: single nucleotide variant.
Coding change: c.7449G>A on transcript NM_017617.5 (MANE Select); coding-DNA position 7449, G replaced by A.
Protein change: p.Thr2483=; no amino-acid change (threonine 2483 retained).
Molecular consequence: synonymous variant.
Genome position (GRCh38, 1-based): chr9:136,496,290, C>T on the plus strand (G>A on the coding strand, the complement: NOTCH1 is on the minus strand). VCF-style: chr9-136496290-C-T. GRCh37 (hg19) VCF-style: chr9-139390742-C-T.
Other names: c.7449G>A, p.Thr2483= (LRG_1122t1).
Identifiers: ClinVar variation 415405 (VCV000415405.25), dbSNP rs375728200, ClinGen allele CA5339668.

ClinVar aggregate classification (germline): Benign/Likely benign. Review status: criteria provided, multiple submitters, no conflicts (2 of 4 stars). 9 submissions from 8 submitters: Benign (4); Likely benign (3). 2 of the submissions do not count toward it. Last evaluated 2026-05-01.

Conditions:
Adams-Oliver syndrome 5 (AOS5). Identifiers: Orphanet 974, MedGen C4014970, MONDO:0014459, OMIM 616028.
Familial thoracic aortic aneurysm and aortic dissection (TAAD). Also called: Thoracic aortic aneurysms and dissections. Identifiers: Orphanet 91387, MedGen C4707243, MONDO:0019625.
Aortic valve disease 1 (AOVD1). Identifiers: MedGen C3887892, MONDO:0024523, OMIM 109730.

Allele frequency attached by ClinVar (database versions not stated): TOPMed 0.00013; 1000 Genomes Project 30x 0.00016; 1000 Genomes Project 0.00020; gnomAD exomes 0.00037 and 0.00039; ESP Exome Variant Server 0.00039; ExAC 0.00040; gnomAD 0.00042 and 0.00043.

Submissions (9):

CeGaT Center for Human Genetics Tuebingen
Classification: Likely benign. Last evaluated: 2026-05-01. Review status: criteria provided, single submitter. Criteria: CeGaT Center For Human Genetics Tuebingen Variant Classification Criteria Version 2. Collection method: clinical testing. Allele origin: germline. Affected: yes. Observed: 1 variant allele.
Comment: NOTCH1: BP4, BP7

Labcorp Genetics (formerly Invitae), Labcorp
Classification: Benign for Adams-Oliver syndrome 5. Last evaluated: 2026-02-04. Review status: criteria provided, single submitter. Criteria: Invitae Variant Classification Sherloc (09022015). Collection method: clinical testing. Allele origin: germline.

Blueprint Genetics
Classification: Benign. Last evaluated: 2024-10-25. Review status: criteria provided, single submitter. Criteria: ACMG Guidelines, 2015. Collection method: clinical testing. Allele origin: germline.

Genome-Nilou Lab
Classification: Benign for Adams-Oliver syndrome 5. Last evaluated: 2022-03-15. Review status: criteria provided, single submitter. Criteria: ACMG Guidelines, 2015. Collection method: clinical testing. Allele origin: germline. Affected: no.

Genome-Nilou Lab
Classification: Benign for Aortic valve disease 1. Last evaluated: 2022-03-15. Review status: criteria provided, single submitter. Criteria: ACMG Guidelines, 2015. Collection method: clinical testing. Allele origin: germline. Affected: no.

GeneDx
Classification: Likely benign. Last evaluated: 2021-10-19. Review status: criteria provided, single submitter. Criteria: GeneDx Variant Classification Process June 2021. Collection method: clinical testing. Allele origin: germline. Affected: yes.

Ambry Genetics
Classification: Likely benign for Familial thoracic aortic aneurysm and aortic dissection. Last evaluated: 2017-09-22. Review status: criteria provided, single submitter. Criteria: Ambry Variant Classification Scheme 2023. Collection method: clinical testing. Allele origin: germline.

Clinical Genetics DNA and cytogenetics Diagnostics Lab, Erasmus MC, Erasmus Medical Center
Classification: Likely benign. Review status: no assertion criteria provided. Collection method: clinical testing. Allele origin: germline. Affected: yes. Study: VKGL Data-share Consensus. Not counted in ClinVar's aggregate classification.

Joint Genome Diagnostic Labs from Nijmegen and Maastricht, Radboudumc and MUMC+
Classification: Benign. Review status: no assertion criteria provided. Collection method: clinical testing. Allele origin: germline. Affected: yes. Study: VKGL Data-share Consensus. Not counted in ClinVar's aggregate classification.